The following is an entry in ClinVar:

NM_001164508.2(NEB):c.9587T>G (p.Leu3196Arg)

Gene: NEB (nebulin; minus strand). Cytogenetic location: 2q23.3.
Variant type: single nucleotide variant.
Coding change: c.9587T>G on transcript NM_001164508.2 (MANE Select); coding-DNA position 9587, T replaced by G.
Protein change: p.Leu3196Arg; replaces leucine 3196 with arginine.
Molecular consequence: missense variant.
Genome position (GRCh38, 1-based): chr2:151,631,174, A>C on the plus strand (T>G on the coding strand, the complement: NEB is on the minus strand). VCF-style: chr2-151631174-A-C. GRCh37 (hg19) VCF-style: chr2-152487688-A-C.
Other names: c.9587T>G, p.Leu3196Arg (NM_001164507.2, NM_001271208.2); c.8858T>G, p.Leu2953Arg (NM_004543.5); short protein forms L3196R, L2953R.
Identifiers: ClinVar variation 465653 (VCV000465653.10), dbSNP rs754001835, ClinGen allele CA1909272.

ClinVar aggregate classification (germline): Uncertain significance (1 of 4 stars; one submission).

Conditions:
Nemaline myopathy 2 (NEM2). Also called: Nemaline myopathy 2, autosomal recessive. Identifiers: MedGen C1850569, MONDO:0009725, OMIM 256030.

Allele frequency attached by ClinVar (database versions not stated): gnomAD exomes below 0.00001; ExAC 0.00001.
gnomAD v4.1: 1 of 1,613,974 alleles (0.000062%); highest among the groups gnomAD compares: East Asian, 0.0022%; no homozygotes.

Submission:

Labcorp Genetics (formerly Invitae), Labcorp
Classification: Uncertain significance for Nemaline myopathy 2. Last evaluated: 2019-06-21. Review status: criteria provided, single submitter. Criteria: Invitae Variant Classification Sherloc (09022015). Collection method: clinical testing. Allele origin: germline.
Comment: In summary, this variant is a rare missense change with uncertain impact on protein function. There is no indication that it causes disease, but the available evidence is currently insufficient to prove that conclusively. Therefore, it has been classified as a Variant of Uncertain Significance. Algorithms developed to predict the effect of sequence changes on RNA splicing suggest that this variant may alter RNA splicing, but this prediction has not been confirmed by published transcriptional studies. Algorithms developed to predict the effect of missense changes on protein structure and function do not agree on the potential impact of this missense change (SIFT: "Deleterious"; PolyPhen-2: "Unknown"; Align-GVGD: "Class C0"). This variant is present in population databases (rs754001835, ExAC 0.01%) but has not been reported in the literature in individuals with a NEB-related disease. This sequence change replaces leucine with arginine at codon 3196 of the NEB protein (p.Leu3196Arg). The leucine residue is weakly conserved and there is a moderate physicochemical difference between leucine and arginine.